The following is an entry in ClinVar:

NM_000548.5(TSC2):c.1014C>G (p.Ile338Met)

Gene: TSC2 (TSC complex subunit 2; plus strand). Cytogenetic location: 16p13.3.
Variant type: single nucleotide variant.
Coding change: c.1014C>G on transcript NM_000548.5 (MANE Select); coding-DNA position 1014, C replaced by G.
Protein change: p.Ile338Met; replaces isoleucine 338 with methionine.
Molecular consequence: missense variant.
Genome position (GRCh38, 1-based): chr16:2,060,708, C>G. VCF-style: chr16-2060708-C-G. GRCh37 (hg19) VCF-style: chr16-2110709-C-G.
Other names: c.1014C>G, p.Ile338Met (NM_001077183.3, NM_001114382.3, NM_001363528.2 and 3 more transcripts); c.903C>G, p.Ile301Met (NM_001318827.2); c.867C>G, p.Ile289Met (NM_001318829.2); c.414C>G, p.Ile138Met (NM_001318831.2); c.1047C>G, p.Ile349Met (NM_001318832.2); short protein forms I301M, I338M, I349M, I138M, I289M.
Identifiers: ClinVar variation 822012 (VCV000822012.16), dbSNP rs1250621196, ClinGen allele CA394317503.

ClinVar aggregate classification (germline): Uncertain significance. Review status: criteria provided, multiple submitters, no conflicts (2 of 4 stars). 5 submissions from 5 submitters: Uncertain significance (5). Last evaluated 2025-06-09.

Conditions:
Tuberous sclerosis syndrome (TSC). Also called: Tuberous sclerosis; Tuberous Sclerosis Complex. Identifiers: Orphanet 805, MedGen C0041341, MONDO:0001734.
Tuberous sclerosis 2 (TSC2). Identifiers: Orphanet 805, MedGen C1860707, MONDO:0013199, OMIM 613254.
Hereditary cancer-predisposing syndrome. Also called: Neoplastic Syndromes, Hereditary; Tumor predisposition; Hereditary Cancer Syndrome; Hereditary neoplastic syndrome. Identifiers: Orphanet 140162, MedGen C0027672, MeSH D009386, MONDO:0015356.

gnomAD v4.1: 3 of 1,614,134 alleles (0.00019%); highest among the groups gnomAD compares: Non-Finnish European, 0.00025%; no homozygotes.

Submissions (5):

Color Diagnostics, LLC DBA Color Health
Classification: Uncertain significance for Tuberous sclerosis syndrome. Last evaluated: 2025-06-09. Review status: criteria provided, single submitter. Criteria: ACMG Guidelines, 2015. Collection method: clinical testing. Allele origin: germline.
Comment: This missense variant replaces isoleucine with methionine at codon 338 of the TSC2 protein. Computational prediction is inconclusive regarding the impact of this variant on protein structure and function. To our knowledge, functional studies have not been reported for this variant. This variant has not been reported in individuals affected with TSC2-related disorders in the literature. This variant has not been identified in the general population by the Genome Aggregation Database (gnomAD). The available evidence is insufficient to determine the role of this variant in disease conclusively. Therefore, this variant is classified as a Variant of Uncertain Significance.

Ambry Genetics
Classification: Uncertain significance for Hereditary cancer-predisposing syndrome. Last evaluated: 2025-04-09. Review status: criteria provided, single submitter. Criteria: Ambry Variant Classification Scheme 2023. Collection method: clinical testing. Allele origin: germline.
Comment: The p.I338M variant (also known as c.1014C>G), located in coding exon 10 of the TSC2 gene, results from a C to G substitution at nucleotide position 1014. The isoleucine at codon 338 is replaced by methionine, an amino acid with highly similar properties. This amino acid position is highly conserved in available vertebrate species. In addition, the in silico prediction for this alteration is inconclusive. Since supporting evidence is limited at this time, the clinical significance of this alteration remains unclear.

Labcorp Genetics (formerly Invitae), Labcorp
Classification: Uncertain significance for Tuberous sclerosis 2. Last evaluated: 2024-04-29. Review status: criteria provided, single submitter. Criteria: Invitae Variant Classification Sherloc (09022015). Collection method: clinical testing. Allele origin: germline.
Comment: This sequence change replaces isoleucine, which is neutral and non-polar, with methionine, which is neutral and non-polar, at codon 338 of the TSC2 protein (p.Ile338Met). This variant is not present in population databases (gnomAD no frequency). This variant has not been reported in the literature in individuals affected with TSC2-related conditions. ClinVar contains an entry for this variant (Variation ID: 822012). Advanced modeling of protein sequence and biophysical properties (such as structural, functional, and spatial information, amino acid conservation, physicochemical variation, residue mobility, and thermodynamic stability) performed at Invitae indicates that this missense variant is not expected to disrupt TSC2 protein function with a negative predictive value of 95%. In summary, the available evidence is currently insufficient to determine the role of this variant in disease. Therefore, it has been classified as a Variant of Uncertain Significance.

Blueprint Genetics
Classification: Uncertain significance. Last evaluated: 2023-03-01. Review status: criteria provided, single submitter. Criteria: ACMG Guidelines, 2015. Collection method: clinical testing. Allele origin: germline.

Genome-Nilou Lab
Classification: Uncertain significance for Tuberous sclerosis 2. Last evaluated: 2021-11-07. Review status: criteria provided, single submitter. Criteria: ACMG Guidelines, 2015. Collection method: clinical testing. Allele origin: germline. Affected: no.